The following is an entry in ClinVar:

ClinVar aggregate classification (germline): Uncertain significance (1 of 4 stars; one submission).

Submission:

GeneDx
Classification: Uncertain significance. Last evaluated: 2024-05-06. Review status: criteria provided, single submitter. Criteria: GeneDx Variant Classification Process June 2021. Collection method: clinical testing. Allele origin: germline. Affected: yes.
Comment: Not observed at significant frequency in large population cohorts (gnomAD); In silico analysis indicates that this missense variant does not alter protein structure/function; Has not been previously published as pathogenic or benign to our knowledge

NM_206933.4(USH2A):c.12075C>G (p.Ser4025Arg)

Gene: USH2A (usherin; minus strand). Cytogenetic location: 1q41.
Variant type: single nucleotide variant.
Coding change: c.12075C>G on transcript NM_206933.4 (MANE Select); coding-DNA position 12075, C replaced by G.
Protein change: p.Ser4025Arg; replaces serine 4025 with arginine.
Molecular consequence: missense variant.
Genome position (GRCh38, 1-based): chr1:215,680,368, G>C on the plus strand (C>G on the coding strand, the complement: USH2A is on the minus strand). VCF-style: chr1-215680368-G-C. GRCh37 (hg19) VCF-style: chr1-215853710-G-C.
Other names: short protein forms S4025R.
Identifiers: ClinVar variation 3375924 (VCV003375924.1).